The following is an entry in ClinVar:

NM_001034850.3(RETREG1):c.290T>A (p.Leu97His)

Genes: RETREG1 (reticulophagy regulator 1; minus strand), RETREG1-AS1 (RETREG1 antisense RNA 1; plus strand). Cytogenetic location: 5p15.1.
Variant type: single nucleotide variant.
Coding change: c.290T>A on transcript NM_001034850.3 (MANE Select); coding-DNA position 290, T replaced by A.
Protein change: p.Leu97His; replaces leucine 97 with histidine.
Molecular consequence: missense variant.
Genome position (GRCh38, 1-based): chr5:16,616,682, A>T on the plus strand (T>A on the coding strand, the complement: RETREG1 is on the minus strand). VCF-style: chr5-16616682-A-T. GRCh37 (hg19) VCF-style: chr5-16616791-A-T.
Other names: p.Leu97His; short protein forms L97H.
Identifiers: ClinVar variation 4541036 (VCV004541036.1).

ClinVar aggregate classification (germline): Uncertain significance (1 of 4 stars; one submission).

Submission:

Mayo Clinic Laboratories, Mayo Clinic
Classification: Uncertain significance. Last evaluated: 2024-10-31. Review status: criteria provided, single submitter. Criteria: ACMG Guidelines, 2015. Collection method: clinical testing. Allele origin: germline. Observed: 1 variant allele.
Comment: BP4, PM2_supporting